The following is an entry in ClinVar:

ClinVar aggregate classification (germline): Uncertain significance. Review status: criteria provided, multiple submitters, no conflicts (2 of 4 stars). 2 submissions from 2 submitters: Uncertain significance (2). Last evaluated 2022-10-13.

Conditions:
Usher syndrome type 2C. Also called: Usher syndrome, type 2B; USHER SYNDROME, TYPE IIC. Identifiers: Orphanet 231178, Orphanet 886, MedGen C2931213, MONDO:0011558, OMIM 605472.

Allele frequency attached by ClinVar (database versions not stated): ExAC 0.00001; gnomAD 0.00001; gnomAD exomes 0.00001 and 0.00003; TOPMed 0.00001.
gnomAD v4.1: 49 of 1,613,594 alleles (0.003%); highest among the groups gnomAD compares: Non-Finnish European, 0.0034%; no homozygotes.

Submissions (2):

Labcorp Genetics (formerly Invitae), Labcorp
Classification: Uncertain significance. Last evaluated: 2022-10-13. Review status: criteria provided, single submitter. Criteria: Invitae Variant Classification Sherloc (09022015). Collection method: clinical testing. Allele origin: germline.
Comment: This sequence change replaces arginine, which is basic and polar, with glutamine, which is neutral and polar, at codon 3105 of the ADGRV1 protein (p.Arg3105Gln). This variant is present in population databases (rs762116905, gnomAD 0.003%). This variant has not been reported in the literature in individuals affected with ADGRV1-related conditions. ClinVar contains an entry for this variant (Variation ID: 907402). Advanced modeling of protein sequence and biophysical properties (such as structural, functional, and spatial information, amino acid conservation, physicochemical variation, residue mobility, and thermodynamic stability) has been performed at Invitae for this missense variant, however the output from this modeling did not meet the statistical confidence thresholds required to predict the impact of this variant on ADGRV1 protein function. In summary, the available evidence is currently insufficient to determine the role of this variant in disease. Therefore, it has been classified as a Variant of Uncertain Significance.

Illumina Laboratory Services, Illumina
Classification: Uncertain significance for Usher syndrome type 2C. Last evaluated: 2018-01-13. Review status: criteria provided, single submitter. Criteria: ICSL Variant Classification Criteria 13 December 2019. Collection method: clinical testing. Allele origin: germline.

NM_032119.4(ADGRV1):c.9314G>A (p.Arg3105Gln)

Gene: ADGRV1 (adhesion G protein-coupled receptor V1; plus strand). Cytogenetic location: 5q14.3.
Variant type: single nucleotide variant.
Coding change: c.9314G>A on transcript NM_032119.4 (MANE Select); coding-DNA position 9314, G replaced by A.
Protein change: p.Arg3105Gln; replaces arginine 3105 with glutamine.
Molecular consequence: missense variant. On other transcripts: non-coding transcript variant (1).
Genome position (GRCh38, 1-based): chr5:90,716,596, G>A. VCF-style: chr5-90716596-G-A. GRCh37 (hg19) VCF-style: chr5-90012413-G-A.
Other names: short protein forms R3105Q.
Identifiers: ClinVar variation 907402 (VCV000907402.10), dbSNP rs762116905, ClinGen allele CA3340481.